The following is an entry in ClinVar:

NM_001987.5(ETV6):c.1010-341T>C

Gene: ETV6 (ETS variant transcription factor 6; plus strand). Cytogenetic location: 12p13.2.
Variant type: single nucleotide variant.
Coding change: c.1010-341T>C on transcript NM_001987.5 (MANE Select); 341 bases into the intron before coding-DNA position 1010, T replaced by C.
Molecular consequence: intron variant.
Genome position (GRCh38, 1-based): chr12:11,884,104, T>C. VCF-style: chr12-11884104-T-C. GRCh37 (hg19) VCF-style: chr12-12037038-T-C.
Identifiers: ClinVar variation 1701187 (VCV001701187.31), dbSNP rs190830655, ClinGen allele CA232635836.

ClinVar aggregate classification (germline): Benign (1 of 4 stars; one submission).

Allele frequency attached by ClinVar (database versions not stated): 1000 Genomes Project 0.00080; 1000 Genomes Project 30x 0.00109; gnomAD 0.00183 and 0.00189; TOPMed 0.00189.
gnomAD v4.1: 284 of 152,358 alleles (0.19%); highest among the groups gnomAD compares: South Asian, 0.35%; 2 homozygotes.

Submission:

CeGaT Center for Human Genetics Tuebingen
Classification: Benign. Last evaluated: 2022-08-01. Review status: criteria provided, single submitter. Criteria: CeGaT Center For Human Genetics Tuebingen Variant Classification Criteria Version 2. Collection method: clinical testing. Allele origin: germline. Affected: yes. Observed: 2 variant alleles.
Comment: ETV6: BS1, BS2